The following is an entry in ClinVar:

NM_001852.4(COL9A2):c.1001G>T (p.Gly334Val)

Gene: COL9A2 (collagen type IX alpha 2 chain; minus strand). Cytogenetic location: 1p34.2.
Variant type: single nucleotide variant.
Coding change: c.1001G>T on transcript NM_001852.4 (MANE Select); coding-DNA position 1001, G replaced by T.
Protein change: p.Gly334Val; replaces glycine 334 with valine.
Molecular consequence: missense variant.
Genome position (GRCh38, 1-based): chr1:40,307,453, C>A on the plus strand (G>T on the coding strand, the complement: COL9A2 is on the minus strand). VCF-style: chr1-40307453-C-A. GRCh37 (hg19) VCF-style: chr1-40773125-C-A.
Other names: short protein forms G334V.
Identifiers: ClinVar variation 1510823 (VCV001510823.8), dbSNP rs2124070811, ClinGen allele CA339852286.

ClinVar aggregate classification (germline): Uncertain significance (1 of 4 stars; one submission).

Submission:

Labcorp Genetics (formerly Invitae), Labcorp
Classification: Uncertain significance. Last evaluated: 2021-07-02. Review status: criteria provided, single submitter. Criteria: Invitae Variant Classification Sherloc (09022015). Collection method: clinical testing. Allele origin: germline.
Comment: This sequence change replaces glycine with valine at codon 334 of the COL9A2 protein (p.Gly334Val). The glycine residue is highly conserved and there is a moderate physicochemical difference between glycine and valine. This variant is not present in population databases (ExAC no frequency). This variant has not been reported in the literature in individuals affected with COL9A2-related conditions. Advanced modeling of protein sequence and biophysical properties (such as structural, functional, and spatial information, amino acid conservation, physicochemical variation, residue mobility, and thermodynamic stability) performed at Invitae indicates that this missense variant is expected to disrupt COL9A2 protein function. In summary, the available evidence is currently insufficient to determine the role of this variant in disease. Therefore, it has been classified as a Variant of Uncertain Significance.